The following is an entry in ClinVar:

ClinVar aggregate classification (germline): Uncertain significance. Review status: criteria provided, multiple submitters, no conflicts (2 of 4 stars). 2 submissions from 2 submitters: Uncertain significance (2). Last evaluated 2025-08-07.

Conditions:
Ataxia - intellectual disability - oculomotor apraxia - cerebellar cysts syndrome. Also called: Poretti-Boltshauser syndrome. Identifiers: Orphanet 370022, MedGen C4014821, MONDO:0014419, OMIM 615960.

gnomAD v4.1: 1 of 1,614,164 alleles (0.000062%); highest among the groups gnomAD compares: Non-Finnish European, 0.000085%; no homozygotes.

Submissions (2):

GeneDx
Classification: Uncertain significance. Last evaluated: 2025-08-07. Review status: criteria provided, single submitter. Criteria: GeneDx Variant Classification Process June 2021. Collection method: clinical testing. Allele origin: germline. Affected: yes.
Comment: Not observed at significant frequency in large population cohorts (gnomAD); In silico analysis supports that this missense variant has a deleterious effect on protein structure/function; Has not been previously published as pathogenic or benign to our knowledge

Juno Genomics, Hangzhou Juno Genomics, Inc
Classification: Uncertain significance for Ataxia - intellectual disability - oculomotor apraxia - cerebellar cysts syndrome. Review status: criteria provided, single submitter. Criteria: ACMG Guidelines, 2015. Collection method: clinical testing. Allele origin: germline.
Comment: Absent from controls (or at extremely low frequency if recessive) in Genome Aggregation Database.;Multiple lines of computational evidence suggest no impact on gene or gene product.

NM_005559.4(LAMA1):c.1565T>C (p.Val522Ala)

Gene: LAMA1 (laminin subunit alpha 1; minus strand). Cytogenetic location: 18p11.31.
Variant type: single nucleotide variant.
Coding change: c.1565T>C on transcript NM_005559.4 (MANE Select); coding-DNA position 1565, T replaced by C.
Protein change: p.Val522Ala; replaces valine 522 with alanine.
Molecular consequence: missense variant.
Genome position (GRCh38, 1-based): chr18:7,037,750, A>G on the plus strand (T>C on the coding strand, the complement: LAMA1 is on the minus strand). VCF-style: chr18-7037750-A-G. GRCh37 (hg19) VCF-style: chr18-7037749-A-G.
Other names: short protein forms V522A.
Identifiers: ClinVar variation 4755887 (VCV004755887.3).